The following is an entry in ClinVar:

NM_000217.3(KCNA1):c.1004T>A (p.Ile335Asn)

Gene: KCNA1 (potassium voltage-gated channel subfamily A member 1; plus strand). Cytogenetic location: 12p13.32.
Variant type: single nucleotide variant.
Coding change: c.1004T>A on transcript NM_000217.3 (MANE Select); coding-DNA position 1004, T replaced by A.
Protein change: p.Ile335Asn; replaces isoleucine 335 with asparagine.
Molecular consequence: missense variant.
Genome position (GRCh38, 1-based): chr12:4,912,382, T>A. VCF-style: chr12-4912382-T-A. GRCh37 (hg19) VCF-style: chr12-5021548-T-A.
Other names: short protein forms I335N.
Identifiers: ClinVar variation 2002292 (VCV002002292.4), dbSNP rs2497353578, ClinGen allele CA383455819.

ClinVar aggregate classification (germline): Uncertain significance (1 of 4 stars; one submission).

Conditions:
Episodic ataxia type 1 (EA1). Also called: ATAXIA, EPISODIC, WITH MYOKYMIA; Episodic ataxia/myokymia syndrome; MYOKYMIA WITH PERIODIC ATAXIA; PAROXYSMAL ATAXIA WITH NEUROMYOTONIA, HEREDITARY. Identifiers: Orphanet 37612, Orphanet 972, MedGen C1719788, MONDO:0008047, OMIM 160120.

Submission:

Labcorp Genetics (formerly Invitae), Labcorp
Classification: Uncertain significance for Episodic ataxia type 1. Last evaluated: 2022-06-03. Review status: criteria provided, single submitter. Criteria: Invitae Variant Classification Sherloc (09022015). Collection method: clinical testing. Allele origin: germline.
Comment: In summary, the available evidence is currently insufficient to determine the role of this variant in disease. Therefore, it has been classified as a Variant of Uncertain Significance. Advanced modeling of protein sequence and biophysical properties (such as structural, functional, and spatial information, amino acid conservation, physicochemical variation, residue mobility, and thermodynamic stability) performed at Invitae indicates that this missense variant is expected to disrupt KCNA1 protein function. This variant has not been reported in the literature in individuals affected with KCNA1-related conditions. This variant is not present in population databases (gnomAD no frequency). This sequence change replaces isoleucine, which is neutral and non-polar, with asparagine, which is neutral and polar, at codon 335 of the KCNA1 protein (p.Ile335Asn).